The following is an entry in ClinVar:

NM_004329.3(BMPR1A):c.1233A>C (p.Glu411Asp)

Gene: BMPR1A (bone morphogenetic protein receptor type 1A; plus strand). Cytogenetic location: 10q23.2.
Variant type: single nucleotide variant.
Coding change: c.1233A>C on transcript NM_004329.3 (MANE Select); coding-DNA position 1233, A replaced by C.
Protein change: p.Glu411Asp; replaces glutamic acid 411 with aspartic acid.
Molecular consequence: missense variant. On other transcripts: non-coding transcript variant (3).
Genome position (GRCh38, 1-based): chr10:86,921,586, A>C. VCF-style: chr10-86921586-A-C. GRCh37 (hg19) VCF-style: chr10-88681343-A-C.
Other names: c.1308A>C, p.Glu436Asp (NM_001406559.1); c.1281A>C, p.Glu427Asp (NM_001406560.1); c.1233A>C, p.Glu411Asp (NM_001406561.1, NM_001406562.1, NM_001406563.1 and 19 more transcripts); c.1227A>C, p.Glu409Asp (NM_001406583.1); c.1149A>C, p.Glu383Asp (NM_001406584.1, NM_001406585.1, NM_001406586.1 and 2 more transcripts); c.891A>C, p.Glu297Asp (NM_001406589.1); short protein forms E411D, E409D, E427D, E436D, E297D, E383D.
Identifiers: ClinVar variation 4623465 (VCV004623465.1).

ClinVar aggregate classification (germline): Uncertain significance (1 of 4 stars; one submission).

Conditions:
Hereditary cancer-predisposing syndrome. Also called: Neoplastic Syndromes, Hereditary; Tumor predisposition; Hereditary Cancer Syndrome; Hereditary neoplastic syndrome. Identifiers: Orphanet 140162, MedGen C0027672, MeSH D009386, MONDO:0015356.

Submission:

Ambry Genetics
Classification: Uncertain significance for Hereditary cancer-predisposing syndrome. Last evaluated: 2025-11-12. Review status: criteria provided, single submitter. Criteria: Ambry Variant Classification Scheme 2023. Collection method: clinical testing. Allele origin: germline.
Comment: The p.E411D variant (also known as c.1233A>C), located in coding exon 9 of the BMPR1A gene, results from an A to C substitution at nucleotide position 1233. The glutamic acid at codon 411 is replaced by aspartic acid, an amino acid with highly similar properties. Based on internal structural analysis, this variant is more disruptive than known pathogenic variants (Ambry internal data). This amino acid position is highly conserved in available vertebrate species. In addition, this alteration is predicted to be deleterious by in silico analysis. Based on the available evidence, the clinical significance of this variant remains unclear.